The following is an entry in ClinVar:

ClinVar aggregate classification (germline): Uncertain significance (1 of 4 stars; one submission).

Allele frequency attached by ClinVar (database versions not stated): ExAC 0.00001; gnomAD 0.00001; gnomAD exomes 0.00001; TOPMed 0.00001.
gnomAD v4.1: 9 of 1,583,176 alleles (0.00057%); highest among the groups gnomAD compares: South Asian, 0.0033%; no homozygotes.

Submission:

Labcorp Genetics (formerly Invitae), Labcorp
Classification: Uncertain significance. Last evaluated: 2022-03-30. Review status: criteria provided, single submitter. Criteria: Invitae Variant Classification Sherloc (09022015). Collection method: clinical testing. Allele origin: germline.
Comment: In summary, the available evidence is currently insufficient to determine the role of this variant in disease. Therefore, it has been classified as a Variant of Uncertain Significance. Algorithms developed to predict the effect of missense changes on protein structure and function are either unavailable or do not agree on the potential impact of this missense change (SIFT: "Deleterious"; PolyPhen-2: "Benign"; Align-GVGD: "Class C0"). This variant has not been reported in the literature in individuals affected with SON-related conditions. This variant is present in population databases (rs747766069, gnomAD 0.003%). This sequence change replaces serine, which is neutral and polar, with leucine, which is neutral and non-polar, at codon 1363 of the SON protein (p.Ser1363Leu).

NM_138927.4(SON):c.4088C>T (p.Ser1363Leu)

Gene: SON (SON DNA and RNA binding protein; plus strand). Cytogenetic location: 21q22.11.
Variant type: single nucleotide variant.
Coding change: c.4088C>T on transcript NM_138927.4 (MANE Select); coding-DNA position 4088, C replaced by T.
Protein change: p.Ser1363Leu; replaces serine 1363 with leucine.
Molecular consequence: missense variant. On other transcripts: non-coding transcript variant (1), intron variant (1).
Genome position (GRCh38, 1-based): chr21:33,553,319, C>T. VCF-style: chr21-33553319-C-T. GRCh37 (hg19) VCF-style: chr21-34925625-C-T.
Other names: c.4088C>T, p.Ser1363Leu (NM_001291411.2, NM_001412133.1, NM_032195.3 and 2 more transcripts); c.245-3837C>T (NM_001291412.3); short protein forms S1363L.
Identifiers: ClinVar variation 1961463 (VCV001961463.5), dbSNP rs747766069, ClinGen allele CA10009445.